The following is an entry in ClinVar:

NM_133433.4(NIPBL):c.1721A>G (p.Asn574Ser)

Gene: NIPBL (NIPBL cohesin loading factor; plus strand). Cytogenetic location: 5p13.2.
Variant type: single nucleotide variant.
Coding change: c.1721A>G on transcript NM_133433.4 (MANE Select); coding-DNA position 1721, A replaced by G.
Protein change: p.Asn574Ser; replaces asparagine 574 with serine.
Molecular consequence: missense variant.
Genome position (GRCh38, 1-based): chr5:36,984,901, A>G. VCF-style: chr5-36984901-A-G. GRCh37 (hg19) VCF-style: chr5-36985003-A-G.
Other names: c.1721A>G, p.Asn574Ser (NM_015384.5); short protein forms N574S.
Identifiers: ClinVar variation 353374 (VCV000353374.10), dbSNP rs144289137, ClinGen allele CA10624580.

ClinVar aggregate classification (germline): Uncertain significance. Review status: criteria provided, multiple submitters, no conflicts (2 of 4 stars). 3 submissions from 3 submitters: Uncertain significance (3). Last evaluated 2024-03-07.

Conditions:
Cornelia de Lange syndrome 1 (CDLS1). Also called: Brachmann de Lange syndrome; NIPBL-Related Cornelia de Lange Syndrome; TYPUS DEGENERATIVUS AMSTELODAMENSIS. Identifiers: Orphanet 199, MedGen C4551851, MONDO:0007387, OMIM 122470.

Allele frequency attached by ClinVar (database versions not stated): gnomAD exomes below 0.00001; gnomAD 0.00001; TOPMed 0.00002; ESP Exome Variant Server 0.00008.
gnomAD v4.1: 4 of 1,613,764 alleles (0.00025%); highest among the groups gnomAD compares: African/African-American, 0.0027%; no homozygotes.

Submissions (3):

Fulgent Genetics
Classification: Uncertain significance for Cornelia de Lange syndrome 1. Last evaluated: 2024-03-07. Review status: criteria provided, single submitter. Criteria: ACMG Guidelines, 2015. Collection method: clinical testing. Allele origin: germline.

Labcorp Genetics (formerly Invitae), Labcorp
Classification: Uncertain significance for Cornelia de Lange syndrome 1. Last evaluated: 2022-05-05. Review status: criteria provided, single submitter. Criteria: Invitae Variant Classification Sherloc (09022015). Collection method: clinical testing. Allele origin: germline.
Comment: This variant is not present in population databases (gnomAD no frequency). This sequence change replaces asparagine, which is neutral and polar, with serine, which is neutral and polar, at codon 574 of the NIPBL protein (p.Asn574Ser). This variant has not been reported in the literature in individuals affected with NIPBL-related conditions. In summary, the available evidence is currently insufficient to determine the role of this variant in disease. Therefore, it has been classified as a Variant of Uncertain Significance. Algorithms developed to predict the effect of sequence changes on RNA splicing suggest that this variant may disrupt the consensus splice site. Advanced modeling of protein sequence and biophysical properties (such as structural, functional, and spatial information, amino acid conservation, physicochemical variation, residue mobility, and thermodynamic stability) performed at Invitae indicates that this missense variant is not expected to disrupt NIPBL protein function. ClinVar contains an entry for this variant (Variation ID: 353374).

Illumina Laboratory Services, Illumina
Classification: Uncertain significance for Cornelia de Lange syndrome 1. Last evaluated: 2018-01-12. Review status: criteria provided, single submitter. Criteria: ICSL Variant Classification Criteria 13 December 2019. Collection method: clinical testing. Allele origin: germline.